The following is an entry in ClinVar:

NM_130837.3(OPA1):c.860T>C (p.Ile287Thr)

Gene: OPA1 (OPA1 mitochondrial dynamin like GTPase; plus strand). Cytogenetic location: 3q29.
Variant type: single nucleotide variant.
Coding change: c.860T>C on transcript NM_130837.3 (MANE Select); coding-DNA position 860, T replaced by C.
Protein change: p.Ile287Thr; replaces isoleucine 287 with threonine.
Molecular consequence: missense variant.
Genome position (GRCh38, 1-based): chr3:193,635,434, T>C. VCF-style: chr3-193635434-T-C. GRCh37 (hg19) VCF-style: chr3-193353223-T-C.
Other names: c.326T>C, p.Ile109Thr (NM_001354663.2); c.323T>C, p.Ile108Thr (NM_001354664.2); c.695T>C, p.Ile232Thr (NM_015560.3); c.587T>C, p.Ile196Thr (NM_130831.3); c.641T>C, p.Ile214Thr (NM_130832.3); c.698T>C, p.Ile233Thr (NM_130833.3); c.749T>C, p.Ile250Thr (NM_130834.3); c.752T>C, p.Ile251Thr (NM_130835.3); and 2 more; short protein forms I108T, I233T, I251T, I109T, I269T, I196T, I214T, I250T.
Identifiers: ClinVar variation 1478496 (VCV001478496.7), dbSNP rs951002467, ClinGen allele CA90525506.

ClinVar aggregate classification (germline): Uncertain significance. Review status: criteria provided, multiple submitters, no conflicts (2 of 4 stars). 3 submissions from 3 submitters: Uncertain significance (3). Last evaluated 2026-06-15.

Conditions:
Inborn genetic diseases. Identifiers: MedGen C0950123, MeSH D030342.

Allele frequency attached by ClinVar (database versions not stated): gnomAD exomes below 0.00001; gnomAD 0.00001; TOPMed 0.00004.
gnomAD v4.1: 4 of 1,598,738 alleles (0.00025%); highest among the groups gnomAD compares: African/African-American, 0.0054%; no homozygotes.

Submissions (3):

Ambry Genetics
Classification: Uncertain significance for Inborn genetic diseases. Last evaluated: 2026-06-15. Review status: criteria provided, single submitter. Criteria: Ambry Variant Classification Scheme 2023. Collection method: clinical testing. Allele origin: germline.

Labcorp Genetics (formerly Invitae), Labcorp
Classification: Uncertain significance. Last evaluated: 2025-10-14. Review status: criteria provided, single submitter. Criteria: Invitae Variant Classification Sherloc (09022015). Collection method: clinical testing. Allele origin: germline.
Comment: This sequence change replaces isoleucine, which is neutral and non-polar, with threonine, which is neutral and polar, at codon 232 of the OPA1 protein (p.Ile232Thr). This variant is not present in population databases (gnomAD no frequency). This variant has not been reported in the literature in individuals affected with OPA1-related conditions. ClinVar contains an entry for this variant (Variation ID: 1478496). Invitae Evidence Modeling of protein sequence and biophysical properties (such as structural, functional, and spatial information, amino acid conservation, physicochemical variation, residue mobility, and thermodynamic stability) indicates that this missense variant is not expected to disrupt OPA1 protein function with a negative predictive value of 80%. In summary, the available evidence is currently insufficient to determine the role of this variant in disease. Therefore, it has been classified as a Variant of Uncertain Significance.

GeneDx
Classification: Uncertain significance. Last evaluated: 2022-10-07. Review status: criteria provided, single submitter. Criteria: GeneDx Variant Classification Process June 2021. Collection method: clinical testing. Allele origin: germline. Affected: yes.
Comment: Not observed at significant frequency in large population cohorts (gnomAD); In silico analysis supports that this missense variant does not alter protein structure/function; Has not been previously published as pathogenic or benign to our knowledge